The following is an entry in ClinVar:

ClinVar aggregate classification (germline): Uncertain significance (1 of 4 stars; one submission).

Allele frequency attached by ClinVar (database versions not stated): gnomAD exomes below 0.00001.

Submission:

Labcorp Genetics (formerly Invitae), Labcorp
Classification: Uncertain significance. Last evaluated: 2022-09-24. Review status: criteria provided, single submitter. Criteria: Invitae Variant Classification Sherloc (09022015). Collection method: clinical testing. Allele origin: germline.
Comment: This sequence change replaces glycine, which is neutral and non-polar, with arginine, which is basic and polar, at codon 344 of the ZNF408 protein (p.Gly344Arg). This variant is not present in population databases (gnomAD no frequency). This variant has not been reported in the literature in individuals affected with ZNF408-related conditions. Algorithms developed to predict the effect of missense changes on protein structure and function output the following: SIFT: "Tolerated"; PolyPhen-2: "Benign"; Align-GVGD: "Class C0". The arginine amino acid residue is found in multiple mammalian species, which suggests that this missense change does not adversely affect protein function. In summary, the available evidence is currently insufficient to determine the role of this variant in disease. Therefore, it has been classified as a Variant of Uncertain Significance.

NM_024741.3(ZNF408):c.1030G>A (p.Gly344Arg)

Gene: ZNF408 (zinc finger protein 408; plus strand). Cytogenetic location: 11p11.2.
Variant type: single nucleotide variant.
Coding change: c.1030G>A on transcript NM_024741.3 (MANE Select); coding-DNA position 1030, G replaced by A.
Protein change: p.Gly344Arg; replaces glycine 344 with arginine.
Molecular consequence: missense variant.
Genome position (GRCh38, 1-based): chr11:46,704,730, G>A. VCF-style: chr11-46704730-G-A. GRCh37 (hg19) VCF-style: chr11-46726280-G-A.
Other names: c.1006G>A, p.Gly336Arg (NM_001184751.2); short protein forms G344R, G336R.
Identifiers: ClinVar variation 2158543 (VCV002158543.1), dbSNP rs2502793946, ClinGen allele CA380254680.
Genomic context (GRCh38, chr11:46,704,730, plus strand): 5'-GAGCCTGGAGCCCAGCAGTCTGGCTTCCCTACACTCTCGCGGAGCCCTCCTGGCCCAGCA[G>A]GAAGCTCCCCAAAGCAGGGGCGACGGTACCGGTGTGGAGAGTGTGGCAAGGCATTCCTAC-3'
Protein context (NP_079017.1, residues 334-354): TLSRSPPGPA[Gly344Arg]SSPKQGRRYR